The following is an entry in ClinVar:

ClinVar aggregate classification (germline): Pathogenic (1 of 4 stars; one submission).

Conditions:
Early-infantile DEE. Also called: Ohtahara syndrome; Early infantile epileptic encephalopathy with suppression bursts; Early infantile epileptic encephalopathy. Identifiers: Orphanet 1934, MedGen C0393706, MONDO:0800491.

Submission:

Labcorp Genetics (formerly Invitae), Labcorp
Classification: Pathogenic for Early-infantile DEE. Last evaluated: 2022-09-12. Review status: criteria provided, single submitter. Criteria: Invitae Variant Classification Sherloc (09022015). Collection method: clinical testing. Allele origin: germline.
Comment: For these reasons, this variant has been classified as Pathogenic. This variant has not been reported in the literature in individuals affected with SCN1A-related conditions. This variant is not present in population databases (gnomAD no frequency). This sequence change creates a premature translational stop signal (p.Gly1532*) in the SCN1A gene. It is expected to result in an absent or disrupted protein product. Loss-of-function variants in SCN1A are known to be pathogenic (PMID: 17347258, 18930999).

Literature cited by the submitters: PubMed 17347258; PubMed 18930999.

NM_001165963.4(SCN1A):c.4594G>T (p.Gly1532Ter)

Genes: SCN1A (sodium voltage-gated channel alpha subunit 1; minus strand), LOC102724058 (uncharacterized LOC102724058; plus strand). Cytogenetic location: 2q24.3.
Variant type: single nucleotide variant.
Coding change: c.4594G>T on transcript NM_001165963.4 (MANE Select); coding-DNA position 4594, G replaced by T.
Protein change: p.Gly1532Ter; replaces glycine 1532 with a stop codon.
Molecular consequence: nonsense. On other transcripts: non-coding transcript variant (1).
Genome position (GRCh38, 1-based): chr2:165,994,404, C>A on the plus strand (G>T on the coding strand, the complement: SCN1A is on the minus strand). VCF-style: chr2-165994404-C-A. GRCh37 (hg19) VCF-style: chr2-166850914-C-A.
Other names: c.4510G>T, p.Gly1504Ter (NM_001165964.3, NM_001353957.2, NM_001353958.2); c.4594G>T, p.Gly1532Ter (NM_001202435.3, NM_001353948.2); c.4561G>T, p.Gly1521Ter (NM_001353949.2, NM_001353950.2, NM_001353951.2 and 2 more transcripts); c.4558G>T, p.Gly1520Ter (NM_001353954.2, NM_001353955.2); c.4507G>T, p.Gly1503Ter (NM_001353960.2); c.2152G>T, p.Gly718Ter (NM_001353961.2); short protein forms G1503*, G1520*, G1532*, G1504*, G718*, G1521*.
Identifiers: ClinVar variation 2024214 (VCV002024214.4), dbSNP rs1553521078, ClinGen allele CA349072355.